The following is an entry in ClinVar:

NM_014159.7(SETD2):c.2543C>T (p.Ala848Val)

Gene: SETD2 (SET domain containing 2, histone lysine methyltransferase; minus strand). Cytogenetic location: 3p21.31.
Variant type: single nucleotide variant.
Coding change: c.2543C>T on transcript NM_014159.7 (MANE Select); coding-DNA position 2543, C replaced by T.
Protein change: p.Ala848Val; replaces alanine 848 with valine.
Molecular consequence: missense variant. On other transcripts: non-coding transcript variant (1).
Genome position (GRCh38, 1-based): chr3:47,122,093, G>A on the plus strand (C>T on the coding strand, the complement: SETD2 is on the minus strand). VCF-style: chr3-47122093-G-A. GRCh37 (hg19) VCF-style: chr3-47163583-G-A.
Other names: p.Ala848Val; c.2411C>T, p.Ala804Val (NM_001349370.3); short protein forms A848V, A804V.
Identifiers: ClinVar variation 135221 (VCV000135221.25), dbSNP rs75248784, ClinGen allele CA162056.

ClinVar aggregate classification (germline): Benign/Likely benign. Review status: criteria provided, multiple submitters, no conflicts (2 of 4 stars). 9 submissions from 9 submitters: Benign (5); Likely benign (3). 1 of the submissions does not count toward it. Last evaluated 2026-01-28.

Conditions:
Luscan-Lumish syndrome. Identifiers: Orphanet 597738, MedGen C4085873, MONDO:0014791, OMIM 616831.

Allele frequency attached by ClinVar (database versions not stated): gnomAD exomes 0.00081 and 0.00192; 1000 Genomes Project 30x 0.00921; gnomAD 0.00810 and 0.00870; 1000 Genomes Project 0.00859; TOPMed 0.00921; ESP Exome Variant Server 0.00900; ExAC 0.00237.
gnomAD v4.1: 2,430 of 1,613,772 alleles (0.15%); highest among the groups gnomAD compares: African/African-American, 3%; 38 homozygotes.

Submissions (10):

Labcorp Genetics (formerly Invitae), Labcorp
Classification: Benign for Luscan-Lumish syndrome. Last evaluated: 2026-01-28. Review status: criteria provided, single submitter. Criteria: Invitae Variant Classification Sherloc (09022015). Collection method: clinical testing. Allele origin: germline.

Mayo Clinic Laboratories, Mayo Clinic
Classification: Benign. Last evaluated: 2025-03-11. Review status: criteria provided, single submitter. Criteria: ACMG Guidelines, 2015. Collection method: clinical testing. Allele origin: germline. Observed: 1 variant allele.
Comment: BA1, BP4_moderate

Athena Diagnostics
Classification: Benign. Last evaluated: 2025-03-03. Review status: criteria provided, single submitter. Criteria: Athena Diagnostics Criteria. Collection method: clinical testing. Allele origin: unknown.
Comment: The frequency of this variant in the general population is higher than would generally be expected for pathogenic variants in this gene.

GeneDx
Classification: Likely benign. Last evaluated: 2023-07-25. Review status: criteria provided, single submitter. Criteria: GeneDx Variant Classification Process June 2021. Collection method: clinical testing. Allele origin: germline. Affected: yes.
Comment: See Variant Classification Assertion Criteria.

Genome-Nilou Lab
Classification: Benign for Luscan-Lumish syndrome. Last evaluated: 2022-03-15. Review status: criteria provided, single submitter. Criteria: ACMG Guidelines, 2015. Collection method: clinical testing. Allele origin: germline. Affected: no.

Genetic Services Laboratory, University of Chicago
Classification: Benign. Last evaluated: 2018-10-23. Review status: criteria provided, single submitter. Criteria: ACMG Guidelines, 2015. Collection method: clinical testing. Allele origin: germline. Affected: no.

Center for Pediatric Genomic Medicine, Children's Mercy Hospital and Clinics
Classification: Likely benign. Last evaluated: 2017-04-19. Review status: criteria provided, single submitter. Criteria: ACMG Guidelines, 2015. Collection method: clinical testing. Allele origin: germline.

Breakthrough Genomics
Classification: Likely benign. Review status: criteria provided, single submitter. Criteria: ACMG Guidelines, 2015. Collection method: not provided. Allele origin: germline. Inheritance: Autosomal dominant inheritance. Affected: yes.

ITMI
No classification provided. Condition: AllHighlyPenetrant. Last evaluated: 2013-09-19. Review status: no classification provided. Collection method: reference population. Allele origin: germline. Not counted in ClinVar's aggregate classification.
Comment: Please see associated publication for description of ethnicities

Dr. Peter K. Rogan Lab, Western University
No classification provided (evidence only). Condition: Hepatocellular carcinoma. Review status: no classification provided. Collection method: in vitro. Allele origin: not applicable. Functional consequence: retained intron. Not counted in ClinVar's aggregate classification.

Literature cited by the submitters: PubMed 24728327 (cited by Athena Diagnostics and ITMI).